The following is an entry in ClinVar:

Conditions:
Breast-ovarian cancer, familial, susceptibility to, 1 (BROVCA1). Also called: BRCA1 Hereditary Breast and Ovarian Cancer; OVARIAN CANCER, SUSCEPTIBILITY TO. Identifiers: Orphanet 145, MedGen C2676676, MONDO:0011450, OMIM 604370. Disease mechanism: loss of function.

Submission:

Brotman Baty Institute, University of Washington
No classification provided (evidence only). Condition: Breast-ovarian cancer, familial 1. Review status: no classification provided. Collection method: in vitro. Allele origin: not applicable. Functional consequence: functionally_normal.
ClinVar note: "not provided" was previously submitted as the classification for the variant. However, the classification appeared to be based only on an observation of functional data so it was converted to no classification on 2025-07-30.

NM_007294.4(BRCA1):c.5385T>G (p.Leu1795=)

Gene: BRCA1 (BRCA1 DNA repair associated; minus strand). Cytogenetic location: 17q21.31.
Variant type: single nucleotide variant.
Coding change: c.5385T>G on transcript NM_007294.4 (MANE Select); coding-DNA position 5385, T replaced by G.
Protein change: p.Leu1795=; no amino-acid change (leucine 1795 retained).
Molecular consequence: synonymous variant. On other transcripts: intron variant (19).
Genome position (GRCh38, 1-based): chr17:43,049,142, A>C on the plus strand (T>G on the coding strand, the complement: BRCA1 is on the minus strand). VCF-style: chr17-43049142-A-C. GRCh37 (hg19) VCF-style: chr17-41201159-A-C.
Other names: c.5115T>G, p.Leu1705= (NM_001407934.1, NM_001407935.1, NM_001407936.1); c.5052T>G, p.Leu1684= (NM_001407946.1, NM_001407947.1, NM_001407948.1 and 1 more transcripts); c.5049T>G, p.Leu1683= (NM_001407950.1, NM_001407951.1, NM_001407952.1 and 3 more transcripts); c.5046T>G, p.Leu1682= (NM_001407956.1, NM_001407957.1, NM_001407958.1); c.5004T>G, p.Leu1668= (NM_001407959.1); c.5001T>G, p.Leu1667= (NM_001407960.1, NM_001407962.1); c.4998T>G, p.Leu1666= (NM_001407963.1); c.4923T>G, p.Leu1641= (NM_001407964.1); and 84 more.
Identifiers: ClinVar variation 868404 (VCV000868404.3), dbSNP rs2051079252, ClinGen allele CA500143288.